The following is an entry in ClinVar:

NM_006129.5(BMP1):c.2108-598G>A

Gene: BMP1 (bone morphogenetic protein 1; plus strand). Cytogenetic location: 8p21.3.
Variant type: single nucleotide variant.
Coding change: c.2108-598G>A on transcript NM_006129.5 (MANE Select); 598 bases into the intron before coding-DNA position 2108, G replaced by A.
Molecular consequence: intron variant. On other transcripts: 3 prime UTR variant (1), non-coding transcript variant (1).
Genome position (GRCh38, 1-based): chr8:22,201,205, G>A. VCF-style: chr8-22201205-G-A. GRCh37 (hg19) VCF-style: chr8-22058718-G-A.
Other names: c.*2G>A (NM_001199.4); c.2108-598G>A (NM_006129.4).
Identifiers: ClinVar variation 284617 (VCV000284617.8), dbSNP rs369901025, ClinGen allele CA4665098.

ClinVar aggregate classification (germline): Likely benign. Review status: criteria provided, multiple submitters, no conflicts (2 of 4 stars). 3 submissions from 3 submitters: Likely benign (2). 1 of the submissions does not count toward it. Last evaluated 2026-03-12.

Conditions:
BMP1-related disorder. Also called: BMP1-related condition.

Allele frequency attached by ClinVar (database versions not stated): ExAC 0.00034; ESP Exome Variant Server 0.00038; gnomAD 0.00080 and 0.00087; 1000 Genomes Project 0.00100; 1000 Genomes Project 30x 0.00109; TOPMed 0.00109; gnomAD exomes 0.00006 and 0.00023.
gnomAD v4.1: 225 of 1,612,296 alleles (0.014%); highest among the groups gnomAD compares: African/African-American, 0.25%; 1 homozygote.

Submissions (3):

Women's Health and Genetics/Laboratory Corporation of America, LabCorp
Classification: Likely benign. Last evaluated: 2026-03-12. Review status: criteria provided, single submitter. Criteria: LabCorp Variant Classification Summary - May 2015. Collection method: clinical testing. Allele origin: germline.

Eurofins Ntd Llc (ga)
Classification: Likely benign. Last evaluated: 2015-11-18. Review status: criteria provided, single submitter. Criteria: EGL Classification Definitions 2015. Collection method: clinical testing. Allele origin: germline. Observed: 1 variant allele, 1 heterozygote.

PreventionGenetics, part of Exact Sciences
Classification: Likely benign for BMP1-related condition. Last evaluated: 2021-09-17. Review status: no assertion criteria provided. Collection method: clinical testing. Allele origin: germline. Not counted in ClinVar's aggregate classification.
Comment: This variant is classified as likely benign based on ACMG/AMP sequence variant interpretation guidelines (Richards et al. 2015 PMID: 25741868, with internal and published modifications).